The following is an entry in ClinVar:

ClinVar aggregate classification (germline): Uncertain significance (1 of 4 stars; one submission).

Conditions:
Primary ciliary dyskinesia 33. Also called: CILIARY DYSKINESIA, PRIMARY, 33, WITHOUT SITUS INVERSUS. Identifiers: Orphanet 244, MedGen C4225230, MONDO:0014750, OMIM 616726.

Submission:

Labcorp Genetics (formerly Invitae), Labcorp
Classification: Uncertain significance for Primary ciliary dyskinesia 33. Last evaluated: 2021-11-12. Review status: criteria provided, single submitter. Criteria: Invitae Variant Classification Sherloc (09022015). Collection method: clinical testing. Allele origin: germline.
Comment: This sequence change replaces glutamic acid, which is acidic and polar, with aspartic acid, which is acidic and polar, at codon 86 of the GAS8 protein (p.Glu86Asp). This variant is not present in population databases (gnomAD no frequency). This variant has not been reported in the literature in individuals affected with GAS8-related conditions. Algorithms developed to predict the effect of missense changes on protein structure and function (SIFT, PolyPhen-2, Align-GVGD) all suggest that this variant is likely to be tolerated. In summary, the available evidence is currently insufficient to determine the role of this variant in disease. Therefore, it has been classified as a Variant of Uncertain Significance.

NM_001481.3(DRC4):c.258A>T (p.Glu86Asp)

Gene: DRC4 (dynein regulatory complex subunit 4; plus strand). Cytogenetic location: 16q24.3.
Variant type: single nucleotide variant.
Coding change: c.258A>T on transcript NM_001481.3 (MANE Select); coding-DNA position 258, A replaced by T.
Protein change: p.Glu86Asp; replaces glutamic acid 86 with aspartic acid.
Molecular consequence: missense variant. On other transcripts: 5 prime UTR variant (1).
Genome position (GRCh38, 1-based): chr16:90,031,466, A>T. VCF-style: chr16-90031466-A-T. GRCh37 (hg19) VCF-style: chr16-90097874-A-T.
Other names: c.9A>T, p.Glu3Asp (NM_001286205.2); c.-264A>T (NM_001286208.2); c.183A>T, p.Glu61Asp (NM_001286209.2); short protein forms E86D, E3D, E61D.
Identifiers: ClinVar variation 1414927 (VCV001414927.6), dbSNP rs2151282839, ClinGen allele CA397461179.